The following is an entry in ClinVar:

NM_001122764.3(PPOX):c.208C>T (p.Arg70Trp)

Gene: PPOX (protoporphyrinogen oxidase; plus strand). Cytogenetic location: 1q23.3.
Variant type: single nucleotide variant.
Coding change: c.208C>T on transcript NM_001122764.3 (MANE Select); coding-DNA position 208, C replaced by T.
Protein change: p.Arg70Trp; replaces arginine 70 with tryptophan.
Molecular consequence: missense variant. On other transcripts: 5 prime UTR variant (5).
Genome position (GRCh38, 1-based): chr1:161,167,220, C>T. VCF-style: chr1-161167220-C-T. GRCh37 (hg19) VCF-style: chr1-161137010-C-T.
Other names: c.208C>T, p.Arg70Trp (NM_000309.5, NM_001350128.2, NM_001365398.1 and 1 more transcripts); c.-220C>T (NM_001350129.2); c.-311C>T (NM_001350130.2); c.-197C>T (NM_001350131.2); c.-104C>T (NM_001365400.1); c.-163C>T (NM_001365401.1); short protein forms R70W.
Identifiers: ClinVar variation 2002513 (VCV002002513.4), dbSNP rs2525193268, ClinGen allele CA343351657.

ClinVar aggregate classification (germline): Uncertain significance (1 of 4 stars; one submission).

Submission:

Labcorp Genetics (formerly Invitae), Labcorp
Classification: Uncertain significance. Last evaluated: 2022-11-01. Review status: criteria provided, single submitter. Criteria: Invitae Variant Classification Sherloc (09022015). Collection method: clinical testing. Allele origin: germline.
Comment: This sequence change replaces arginine, which is basic and polar, with tryptophan, which is neutral and slightly polar, at codon 70 of the PPOX protein (p.Arg70Trp). This variant is not present in population databases (gnomAD no frequency). This variant has not been reported in the literature in individuals affected with PPOX-related conditions. Advanced modeling of protein sequence and biophysical properties (such as structural, functional, and spatial information, amino acid conservation, physicochemical variation, residue mobility, and thermodynamic stability) performed at Invitae indicates that this missense variant is not expected to disrupt PPOX protein function. In summary, the available evidence is currently insufficient to determine the role of this variant in disease. Therefore, it has been classified as a Variant of Uncertain Significance.